The following is an entry in ClinVar:

ClinVar aggregate classification (germline): Likely pathogenic (1 of 4 stars; one submission).

Submission:

Dasa
Classification: Likely pathogenic. Last evaluated: 2026-04-24. Review status: criteria provided, single submitter. Criteria: DASA Assertion Criteria. Collection method: clinical testing. Allele origin: germline.
Comment: NM_001031725.6(DDX59):c.425_426del (p.Lys142Argfs*13) is a frameshift variant in DDX59 predicted to alter the reading frame and introduce a premature termination codon and is predicted to result in an absent or altered protein product. Loss of function is an established disease mechanism for DDX59-associated disorders. Also, this variant is absent from population databases. Based on the currently available evidence, this variant is classified as likely pathogenic.

NM_001031725.6(DDX59):c.425_426del (p.Lys142fs)

Gene: DDX59 (DEAD-box helicase 59; minus strand). Cytogenetic location: 1q32.1.
Variant type: Deletion.
Coding change: c.425_426del on transcript NM_001031725.6 (MANE Select); coding-DNA positions 425 to 426, 2 bases deleted (AG; older notation c.425_426delAG).
Protein change: p.Lys142fs; shifts the reading frame from lysine 142.
Molecular consequence: frameshift variant.
Genome position (GRCh38, 1-based): chr1:200,666,315-200,666,316, CT deleted on the plus strand (AG on the coding strand, the reverse complement: DDX59 is on the minus strand). VCF-style (leftmost placement, unchanged base first): chr1-200666314-CCT-C. GRCh37 (hg19) VCF-style: chr1-200635442-CCT-C.
Other names: c.425_426del, p.Lys142fs (NM_001320181.2, NM_001320182.1, NM_001349799.3 and 5 more transcripts); short protein forms K142fs.
Identifiers: ClinVar variation 4880685 (VCV004880685.2).